The following is an entry in ClinVar:

ClinVar aggregate classification (germline): Pathogenic (1 of 4 stars; one submission).

Conditions:
Deficiency of beta-ureidopropionase (UPB1D). Also called: Beta-ureidopropionase deficiency. Identifiers: Orphanet 65287, MedGen C1291512, MONDO:0013164, OMIM 613161.

Submission:

Women's Health and Genetics/Laboratory Corporation of America, LabCorp
Classification: Pathogenic for Deficiency of beta-ureidopropionase. Last evaluated: 2024-05-29. Review status: criteria provided, single submitter. Criteria: LabCorp Variant Classification Summary - May 2015. Collection method: clinical testing. Allele origin: germline.
Comment: Variant summary: The variant involves the deletion of exons 1-3 in the UPB1 gene. The exact breakpoint at the 5' end of this variant is unknown, therefore this deletion may extend upstream of the annotated region of this gene. Although the exact breakpoints of this deletion are not known, it is predicted to remove the initiation codon and result in an absence of protein or a truncation of the encoded protein due to translation initiation at a downstream site. A presumed nomenclature of c.(?_-73)_(364+1_365-1)del has been designated for the purposes of this classification. The variant was absent in 21694 control chromosomes (gnomAD). To our knowledge, no occurrence of c.(?_-73)_(364+1_365-1)del in individuals affected with Deficiency Of Beta-Ureidopropionase and no experimental evidence demonstrating its impact on protein function have been reported. No submitters have cited clinical-significance assessments for this variant to ClinVar. Based on the evidence outlined above, the variant was classified as pathogenic.

NC_000022.10:g.(?_24891299)_(24898182_24906716)del

Gene: UPB1 (beta-ureidopropionase 1; plus strand). Cytogenetic location: 22q11.23.
Variant type: Deletion.
Identifiers: ClinVar variation 3336289 (VCV003336289.1).